The following is an entry in ClinVar:

NM_014921.5(ADGRL1):c.2239G>C (p.Gly747Arg)

Genes: ADGRL1 (adhesion G protein-coupled receptor L1; minus strand), ADGRL1-AS1 (ADGRL1 antisense RNA 1; plus strand). Cytogenetic location: 19p13.12.
Variant type: single nucleotide variant.
Coding change: c.2239G>C on transcript NM_014921.5 (MANE Select); coding-DNA position 2239, G replaced by C.
Protein change: p.Gly747Arg; replaces glycine 747 with arginine.
Molecular consequence: missense variant.
Genome position (GRCh38, 1-based): chr19:14,158,463, C>G on the plus strand (G>C on the coding strand, the complement: ADGRL1 is on the minus strand). VCF-style: chr19-14158463-C-G. GRCh37 (hg19) VCF-style: chr19-14269275-C-G.
Other names: c.2254G>C, p.Gly752Arg (NM_001008701.3); short protein forms G747R, G752R.
Identifiers: ClinVar variation 4017136 (VCV004017136.3).

ClinVar aggregate classification (germline): Likely benign. Review status: criteria provided, multiple submitters, no conflicts (2 of 4 stars). 2 submissions from 2 submitters: Likely benign (2). Last evaluated 2026-04-01.

Conditions:
Inborn genetic diseases. Identifiers: MedGen C0950123, MeSH D030342.

gnomAD v4.1: 17 of 1,613,840 alleles (0.0011%); highest among the groups gnomAD compares: Admixed American, 0.018%; no homozygotes.

Submissions (2):

CeGaT Center for Human Genetics Tuebingen
Classification: Likely benign. Last evaluated: 2026-04-01. Review status: criteria provided, single submitter. Criteria: CeGaT Center For Human Genetics Tuebingen Variant Classification Criteria Version 2. Collection method: clinical testing. Allele origin: germline. Affected: yes. Observed: 1 variant allele.
Comment: ADGRL1: BS2

Ambry Genetics
Classification: Likely benign for Inborn genetic diseases. Last evaluated: 2025-04-10. Review status: criteria provided, single submitter. Criteria: Ambry Variant Classification Scheme 2023. Collection method: clinical testing. Allele origin: germline.